The following is an entry in ClinVar:

NM_014423.4(AFF4):c.1058A>C (p.Gln353Pro)

Gene: AFF4 (ALF transcription elongation factor 4; minus strand). Cytogenetic location: 5q31.1.
Variant type: single nucleotide variant.
Coding change: c.1058A>C on transcript NM_014423.4 (MANE Select); coding-DNA position 1058, A replaced by C.
Protein change: p.Gln353Pro; replaces glutamine 353 with proline.
Molecular consequence: missense variant.
Genome position (GRCh38, 1-based): chr5:132,904,397, T>G on the plus strand (A>C on the coding strand, the complement: AFF4 is on the minus strand). VCF-style: chr5-132904397-T-G. GRCh37 (hg19) VCF-style: chr5-132240089-T-G.
Other names: short protein forms Q353P.
Identifiers: ClinVar variation 5002011 (VCV005002011.1).

ClinVar aggregate classification (germline): Uncertain significance. Review status: criteria provided, multiple submitters, no conflicts (2 of 4 stars). 2 submissions from 2 submitters: Uncertain significance (2). Last evaluated 2026-03-16.

Conditions:
AFF4-related disorder. Also called: AFF4-related condition.

Submissions (2):

GeneDx
Classification: Uncertain significance. Last evaluated: 2026-03-16. Review status: criteria provided, single submitter. Criteria: GeneDx Variant Classification Process June 2021. Collection method: clinical testing. Allele origin: germline.
Comment: Not observed at significant frequency in large population cohorts (gnomAD); In silico analysis supports that this missense variant has a deleterious effect on protein structure/function; Has not been previously published as pathogenic or benign to our knowledge

PreventionGenetics, part of Exact Sciences
Classification: Uncertain significance for AFF4-related condition. Last evaluated: 2025-03-07. Review status: criteria provided, single submitter. Criteria: ACMG Guidelines, 2015. Collection method: clinical testing. Allele origin: germline.
Comment: The AFF4 c.1058A>C variant is predicted to result in the amino acid substitution p.Gln353Pro. To our knowledge, this variant has not been reported in the literature or in a large population database (gnomAD), indicating this variant is rare. At this time, the clinical significance of this variant is uncertain due to the absence of conclusive functional and genetic evidence.